The following is an entry in ClinVar:

ClinVar aggregate classification (germline): Pathogenic (1 of 4 stars; one submission).

Submission:

Labcorp Genetics (formerly Invitae), Labcorp
Classification: Pathogenic. Last evaluated: 2023-09-17. Review status: criteria provided, single submitter. Criteria: Invitae Variant Classification Sherloc (09022015). Collection method: clinical testing. Allele origin: germline.
Comment: This variant has not been reported in the literature in individuals affected with ADAMTS17-related conditions. This variant is not present in population databases (gnomAD no frequency). This sequence change creates a premature translational stop signal (p.Gln993*) in the ADAMTS17 gene. It is expected to result in an absent or disrupted protein product. Loss-of-function variants in ADAMTS17 are known to be pathogenic (PMID: 19836009, 24940034). For these reasons, this variant has been classified as Pathogenic.

Literature cited by the submitters: PubMed 19836009; PubMed 24940034.

NM_139057.4(ADAMTS17):c.2977C>T (p.Gln993Ter)

Gene: ADAMTS17 (ADAM metallopeptidase with thrombospondin type 1 motif 17; minus strand). Cytogenetic location: 15q26.3.
Variant type: single nucleotide variant.
Coding change: c.2977C>T on transcript NM_139057.4 (MANE Select); coding-DNA position 2977, C replaced by T.
Protein change: p.Gln993Ter; replaces glutamine 993 with a stop codon.
Molecular consequence: nonsense.
Genome position (GRCh38, 1-based): chr15:99,976,195, G>A on the plus strand (C>T on the coding strand, the complement: ADAMTS17 is on the minus strand). VCF-style: chr15-99976195-G-A. GRCh37 (hg19) VCF-style: chr15-100516400-G-A.
Other names: short protein forms Q993*.
Identifiers: ClinVar variation 2880393 (VCV002880393.3), dbSNP rs2547951708, ClinGen allele CA393692871.
Genomic context (GRCh38, chr15:99,976,195, plus strand): 5'-CGGGGCACTCGCTGCCGTGGCGCCCTGTGACCTTGTGCATGCACTGCACCACCCGGGACT[G>A]CAGGCCCTTCCCGCAGGTCGACGAGCACTGCAGAGACAGGACAGCCTGAGTGGGGCTGAC-3'